The following is an entry in ClinVar:

ClinVar aggregate classification (germline): Conflicting classifications of pathogenicity. Review status: criteria provided, conflicting classifications (1 of 4 stars). 9 submissions from 5 submitters: Uncertain significance (8); Likely benign (1). Last evaluated 2024-02-07.

Conditions:
Tibial muscular dystrophy (TMD). Also called: Udd Distal Myopathy – Tibial Muscular Dystrophy; UDD MYOPATHY; Tibial muscular dystrophy, tardive. Identifiers: Orphanet 609, MedGen C1838244, MONDO:0010870, OMIM 600334.
Cardiovascular phenotype. Identifiers: MedGen CN230736.
Dilated cardiomyopathy 1G (CMD1G). Identifiers: Orphanet 154, MedGen C1858763, MONDO:0011400, OMIM 604145.
Autosomal recessive limb-girdle muscular dystrophy type 2J (LGMDR10). Also called: MUSCULAR DYSTROPHY, LIMB-GIRDLE, AUTOSOMAL RECESSIVE 10; Limb-girdle muscular dystrophy, type 2J. Identifiers: Orphanet 140922, MedGen C1837342, MONDO:0012127, OMIM 608807.
Early-onset myopathy with fatal cardiomyopathy (CMYO5). Also called: CONGENITAL MYOPATHY 5 WITH CARDIOMYOPATHY; Salih Myopathy. Identifiers: Orphanet 289377, MedGen C2673677, MONDO:0012714, OMIM 611705. Disease mechanism: loss of function.
Myopathy, myofibrillar, 9, with early respiratory failure (MFM9). Also called: Myopathy, distal, with early respiratory failure, autosomal dominant; Hereditary myopathy with early respiratory failure; EDSTROM MYOPATHY; MYOPATHY, PROXIMAL, WITH EARLY RESPIRATORY MUSCLE INVOLVEMENT. Identifiers: Orphanet 178464, Orphanet 34521, MedGen C1863599, MONDO:0011362, OMIM 603689.

Allele frequency attached by ClinVar (database versions not stated): gnomAD exomes 0.00001 and 0.00002; ExAC 0.00002; gnomAD 0.00003; TOPMed 0.00003.
gnomAD v4.1: 15 of 1,614,048 alleles (0.00093%); highest among the groups gnomAD compares: Admixed American, 0.0067%; no homozygotes.

Submissions (9):

Ambry Genetics
Classification: Uncertain significance for Cardiovascular phenotype. Last evaluated: 2024-02-07. Review status: criteria provided, single submitter. Criteria: Ambry Variant Classification Scheme 2023. Collection method: clinical testing. Allele origin: germline.
Comment: The c.583+4C>T intronic variant results from a C to T substitution 4 nucleotides after coding exon 3 in the TTN gene. This nucleotide position is poorly conserved in available vertebrate species. In silico splice site analysis predicts that this alteration will not have any significant effect on splicing. Since supporting evidence is limited at this time, the clinical significance of this alteration remains unclear.

ARUP Laboratories, Molecular Genetics and Genomics, ARUP Laboratories
Classification: Uncertain significance. Last evaluated: 2023-12-14. Review status: criteria provided, single submitter. Criteria: ARUP Molecular Germline Variant Investigation Process 2024. Collection method: clinical testing. Allele origin: germline.
Comment: The TTN c.583+4C>T variant (rs764670848), to our knowledge, is not reported in the medical literature but is reported in ClinVar (Variation ID: 332972). This variant is found in the general population with an overall allele frequency of 0.002% (6/282,390 alleles) in the Genome Aggregation Database (v2.1.1). This is an intronic variant and computational analyses (Alamut Visual Plus v.1.5.1) predict that this variant does not alter splicing. However, since this variant is located within the minimal splice region, the clinical significance of this variant is uncertain at this time.

GeneDx
Classification: Likely benign. Last evaluated: 2019-11-11. Review status: criteria provided, single submitter. Criteria: GeneDx Variant Classification Process June 2021. Collection method: clinical testing. Allele origin: germline. Affected: yes.

Illumina Laboratory Services, Illumina
Classification: Uncertain significance for Early-onset myopathy with fatal cardiomyopathy. Last evaluated: 2018-01-13. Review status: criteria provided, single submitter. Criteria: ICSL Variant Classification Criteria 13 December 2019. Collection method: clinical testing. Allele origin: germline.

Illumina Laboratory Services, Illumina
Classification: Uncertain significance for Myopathy, myofibrillar, 9, with early respiratory failure. Last evaluated: 2018-01-13. Review status: criteria provided, single submitter. Criteria: ICSL Variant Classification Criteria 13 December 2019. Collection method: clinical testing. Allele origin: germline.

Illumina Laboratory Services, Illumina
Classification: Uncertain significance for Tibial muscular dystrophy. Last evaluated: 2018-01-13. Review status: criteria provided, single submitter. Criteria: ICSL Variant Classification Criteria 13 December 2019. Collection method: clinical testing. Allele origin: germline.

Illumina Laboratory Services, Illumina
Classification: Uncertain significance for Dilated cardiomyopathy 1G. Last evaluated: 2018-01-13. Review status: criteria provided, single submitter. Criteria: ICSL Variant Classification Criteria 13 December 2019. Collection method: clinical testing. Allele origin: germline.

Illumina Laboratory Services, Illumina
Classification: Uncertain significance for Autosomal recessive limb-girdle muscular dystrophy type 2J. Last evaluated: 2018-01-13. Review status: criteria provided, single submitter. Criteria: ICSL Variant Classification Criteria 13 December 2019. Collection method: clinical testing. Allele origin: germline.

Labcorp Genetics (formerly Invitae), Labcorp
Classification: Uncertain significance for Dilated cardiomyopathy 1G; Autosomal recessive limb-girdle muscular dystrophy type 2J. Last evaluated: 2017-12-14. Review status: criteria provided, single submitter. Criteria: Invitae Variant Classification Sherloc (09022015). Collection method: clinical testing. Allele origin: germline.

NM_001267550.2(TTN):c.583+4C>T

Gene: TTN (titin; minus strand). Cytogenetic location: 2q31.2.
Variant type: single nucleotide variant.
Coding change: c.583+4C>T on transcript NM_001267550.2 (MANE Select); 4 bases into the intron after coding-DNA position 583, C replaced by T.
Molecular consequence: intron variant.
Genome position (GRCh38, 1-based): chr2:178,800,391, G>A on the plus strand (C>T on the coding strand, the complement: TTN is on the minus strand). VCF-style: chr2-178800391-G-A. GRCh37 (hg19) VCF-style: chr2-179665118-G-A.
Other names: c.583+4C>T (NM_001256850.1, NM_003319.4, NM_133437.4 and 3 more transcripts).
Identifiers: ClinVar variation 332972 (VCV000332972.11), dbSNP rs764670848, ClinGen allele CA2006298.